The following is an entry in ClinVar:

ClinVar aggregate classification (germline): Pathogenic (1 of 4 stars; one submission).

Conditions:
Primary ciliary dyskinesia 3. Identifiers: Orphanet 244, MedGen C1837618, MONDO:0012085, OMIM 608644.

Submission:

Myriad Genetics, Inc.
Classification: Pathogenic for Primary ciliary dyskinesia 3. Last evaluated: 2024-05-14. Review status: criteria provided, single submitter. Criteria: Myriad Autosomal Dominant, Autosomal Recessive and X-Linked Classification Criteria (2023). Collection method: clinical testing. Allele origin: unknown.
Comment: NM_001369.2(DNAH5):c.7502_7503del2ins16(R2501Lfs*75) is expected to be pathogenic in the context of primary ciliary dyskinesia, DNAH5-related. This variant is predicted to lead to an abnormal or absent protein product due to the creation of a premature termination codon in DNAH5, a gene where loss-of-function variants are known to be pathogenic. Please note: this variant was assessed in the context of healthy population screening.

NM_001369.3(DNAH5):c.7502_7503delinsTGTCTCTTATACACAT (p.Arg2501fs)

Gene: DNAH5 (dynein axonemal heavy chain 5; minus strand). Cytogenetic location: 5p15.2.
Variant type: Indel.
Coding change: c.7502_7503delinsTGTCTCTTATACACAT on transcript NM_001369.3 (MANE Select); coding-DNA positions 7502 to 7503, GG replaced by TGTCTCTTATACACAT.
Protein change: p.Arg2501fs; shifts the reading frame from arginine 2501.
Molecular consequence: frameshift variant.
Genome position (GRCh38, 1-based): chr5:13,810,165-13,810,166, CC replaced by ATGTGTATAAGAGACA on the plus strand (GG replaced by TGTCTCTTATACACAT on the coding strand, the reverse complement: DNAH5 is on the minus strand). VCF-style: chr5-13810165-CC-ATGTGTATAAGAGACA. GRCh37 (hg19) VCF-style: chr5-13810274-CC-ATGTGTATAAGAGACA.
Other names: short protein forms R2501fs.
Identifiers: ClinVar variation 5010536 (VCV005010536.1).